The following is an entry in ClinVar:

ClinVar aggregate classification (germline): Uncertain significance (1 of 4 stars; one submission).

Submission:

GeneDx
Classification: Uncertain significance. Last evaluated: 2026-02-09. Review status: criteria provided, single submitter. Criteria: GeneDx Variant Classification Process June 2021. Collection method: clinical testing. Allele origin: germline.
Comment: Not observed at significant frequency in large population cohorts (gnomAD); In silico analysis supports that this missense variant has a deleterious effect on protein structure/function; Has not been previously published as pathogenic or benign to our knowledge

NM_001357.5(DHX9):c.2494G>A (p.Ala832Thr)

Gene: DHX9 (DExH-box helicase 9; plus strand). Cytogenetic location: 1q25.3.
Variant type: single nucleotide variant.
Coding change: c.2494G>A on transcript NM_001357.5 (MANE Select); coding-DNA position 2494, G replaced by A.
Protein change: p.Ala832Thr; replaces alanine 832 with threonine.
Molecular consequence: missense variant. On other transcripts: non-coding transcript variant (1).
Genome position (GRCh38, 1-based): chr1:182,879,392, G>A. VCF-style: chr1-182879392-G-A. GRCh37 (hg19) VCF-style: chr1-182848527-G-A.
Other names: short protein forms A832T.
Identifiers: ClinVar variation 4976515 (VCV004976515.1).